The following is an entry in ClinVar:

NM_206926.2(SELENON):c.990+16G>C

Gene: SELENON (selenoprotein N; plus strand). Cytogenetic location: 1p36.11.
Variant type: single nucleotide variant.
Coding change: c.990+16G>C on transcript NM_206926.2 (MANE Select); 16 bases into the intron after coding-DNA position 990, G replaced by C.
Molecular consequence: intron variant.
Genome position (GRCh38, 1-based): chr1:25,811,551, G>C. VCF-style: chr1-25811551-G-C. GRCh37 (hg19) VCF-style: chr1-26138042-G-C.
Other names: c.1092+16G>C (NM_020451.3).
Identifiers: ClinVar variation 388585 (VCV000388585.16), dbSNP rs199937216, ClinGen allele CA696740.

ClinVar aggregate classification (germline): Benign/Likely benign. Review status: criteria provided, multiple submitters, no conflicts (2 of 4 stars). 3 submissions from 3 submitters: Benign (1); Likely benign (2). Last evaluated 2026-01-28.

Conditions:
Eichsfeld type congenital muscular dystrophy (CMYO3). Also called: Rigid spine muscular dystrophy 1; MYOPATHY, SEPN1-RELATED; SELENON-related myopathy; Congenital myopathy 3 with rigid spine. Identifiers: MedGen C0410180, MONDO:0100100, OMIM 602771.

Allele frequency attached by ClinVar (database versions not stated): gnomAD exomes 0.00019 and 0.00103; gnomAD 0.00028 and 0.00044; TOPMed 0.00030; ExAC 0.00095; 1000 Genomes Project 0.00220; 1000 Genomes Project 30x 0.00234.
gnomAD v4.1: 407 of 1,613,428 alleles (0.025%); highest among the groups gnomAD compares: East Asian, 0.63%; 3 homozygotes.

Submissions (3):

Labcorp Genetics (formerly Invitae), Labcorp
Classification: Benign for Eichsfeld type congenital muscular dystrophy. Last evaluated: 2026-01-28. Review status: criteria provided, single submitter. Criteria: Invitae Variant Classification Sherloc (09022015). Collection method: clinical testing. Allele origin: germline.

Blueprint Genetics
Classification: Likely benign. Last evaluated: 2024-10-28. Review status: criteria provided, single submitter. Criteria: ACMG Guidelines, 2015. Collection method: clinical testing. Allele origin: germline.

GeneDx
Classification: Likely benign. Last evaluated: 2016-08-23. Review status: criteria provided, single submitter. Criteria: GeneDx Variant Classification (06012015). Collection method: clinical testing. Allele origin: germline. Affected: yes.
Comment: This variant is considered likely benign or benign based on one or more of the following criteria: it is a conservative change, it occurs at a poorly conserved position in the protein, it is predicted to be benign by multiple in silico algorithms, and/or has population frequency not consistent with disease.